The following is an entry in ClinVar:

NM_032444.4(SLX4):c.4774G>T (p.Val1592Phe)

Gene: SLX4 (SLX4 structure-specific endonuclease subunit; minus strand). Cytogenetic location: 16p13.3.
Variant type: single nucleotide variant.
Coding change: c.4774G>T on transcript NM_032444.4 (MANE Select); coding-DNA position 4774, G replaced by T.
Protein change: p.Val1592Phe; replaces valine 1592 with phenylalanine.
Molecular consequence: missense variant.
Genome position (GRCh38, 1-based): chr16:3,583,476, C>A on the plus strand (G>T on the coding strand, the complement: SLX4 is on the minus strand). VCF-style: chr16-3583476-C-A. GRCh37 (hg19) VCF-style: chr16-3633477-C-A.
Other names: short protein forms V1592F.
Identifiers: ClinVar variation 2000453 (VCV002000453.4), dbSNP rs2040467802, ClinGen allele CA394515502.

ClinVar aggregate classification (germline): Uncertain significance (1 of 4 stars; one submission).

Conditions:
Fanconi anemia (FA). Also called: Fanconi's anemia. Identifiers: Orphanet 84, MedGen C0015625, MeSH D005199, MONDO:0019391.

Submission:

Labcorp Genetics (formerly Invitae), Labcorp
Classification: Uncertain significance for Fanconi anemia. Last evaluated: 2022-05-29. Review status: criteria provided, single submitter. Criteria: Invitae Variant Classification Sherloc (09022015). Collection method: clinical testing. Allele origin: germline.
Comment: This sequence change replaces valine, which is neutral and non-polar, with phenylalanine, which is neutral and non-polar, at codon 1592 of the SLX4 protein (p.Val1592Phe). This variant is not present in population databases (gnomAD no frequency). This variant has not been reported in the literature in individuals affected with SLX4-related conditions. Algorithms developed to predict the effect of missense changes on protein structure and function are either unavailable or do not agree on the potential impact of this missense change (SIFT: "Deleterious"; PolyPhen-2: "Probably Damaging"; Align-GVGD: "Class C0"). In summary, the available evidence is currently insufficient to determine the role of this variant in disease. Therefore, it has been classified as a Variant of Uncertain Significance.